The following is an entry in ClinVar:

ClinVar aggregate classification (germline): Uncertain significance (1 of 4 stars; one submission).

Conditions:
Nephronophthisis. Also called: Juvenile Nephronophthisis. Identifiers: Orphanet 655, MedGen C0687120, MONDO:0019005, HP:0000090.

Allele frequency attached by ClinVar (database versions not stated): gnomAD exomes below 0.00001; ExAC 0.00001; ESP Exome Variant Server 0.00008.
gnomAD v4.1: 1 of 1,613,806 alleles (0.000062%); highest among the groups gnomAD compares: Non-Finnish European, 0.000085%; no homozygotes.

Submission:

Labcorp Genetics (formerly Invitae), Labcorp
Classification: Uncertain significance for Nephronophthisis. Last evaluated: 2023-04-24. Review status: criteria provided, single submitter. Criteria: Invitae Variant Classification Sherloc (09022015). Collection method: clinical testing. Allele origin: germline.
Comment: In summary, the available evidence is currently insufficient to determine the role of this variant in disease. Therefore, it has been classified as a Variant of Uncertain Significance. Advanced modeling of protein sequence and biophysical properties (such as structural, functional, and spatial information, amino acid conservation, physicochemical variation, residue mobility, and thermodynamic stability) has been performed at Invitae for this missense variant, however the output from this modeling did not meet the statistical confidence thresholds required to predict the impact of this variant on NPHP3 protein function. ClinVar contains an entry for this variant (Variation ID: 1008056). This variant has not been reported in the literature in individuals affected with NPHP3-related conditions. This variant is present in population databases (rs148515364, gnomAD 0.0009%). This sequence change replaces glutamine, which is neutral and polar, with histidine, which is basic and polar, at codon 740 of the NPHP3 protein (p.Gln740His).

NM_153240.5(NPHP3):c.2220G>C (p.Gln740His)

Genes: NPHP3 (nephrocystin 3; minus strand), NPHP3-ACAD11 (NPHP3-ACAD11 readthrough (NMD candidate); minus strand). Cytogenetic location: 3q22.1.
Variant type: single nucleotide variant.
Coding change: c.2220G>C on transcript NM_153240.5 (MANE Select); coding-DNA position 2220, G replaced by C.
Protein change: p.Gln740His; replaces glutamine 740 with histidine.
Molecular consequence: missense variant. On other transcripts: non-coding transcript variant (1).
Genome position (GRCh38, 1-based): chr3:132,694,917, C>G on the plus strand (G>C on the coding strand, the complement: NPHP3 is on the minus strand). VCF-style: chr3-132694917-C-G. GRCh37 (hg19) VCF-style: chr3-132413761-C-G.
Other names: short protein forms Q740H.
Identifiers: ClinVar variation 1008056 (VCV001008056.8), dbSNP rs148515364, ClinGen allele CA2622073.